The following is an entry in ClinVar:

NM_001135146.2(SLC39A8):c.383-2A>G

Gene: SLC39A8 (solute carrier family 39 member 8; minus strand). Cytogenetic location: 4q24.
Variant type: single nucleotide variant.
Coding change: c.383-2A>G on transcript NM_001135146.2 (MANE Select); the canonical splice acceptor site of the intron before coding-DNA position 383, A replaced by G.
Molecular consequence: splice acceptor variant.
Genome position (GRCh38, 1-based): chr4:102,307,607, T>C on the plus strand (A>G on the coding strand, the complement: SLC39A8 is on the minus strand). VCF-style: chr4-102307607-T-C. GRCh37 (hg19) VCF-style: chr4-103228764-T-C.
Other names: c.383-2A>G (NM_001135147.1, NM_022154.5); c.182-2A>G (NM_001135148.2).
Identifiers: ClinVar variation 1306968 (VCV001306968.2), dbSNP rs1180055639, ClinGen allele CA357754473.
Genomic context (GRCh38, chr4:102,307,607, plus strand): 5'-CAATCCGAGGAGAGATGCCAGATTAATAATCGTCACTGACAGGAATCCATATCCCCAAAC[T>C]GTGGGTCAGAGGGAAAAGAGAGTAGAAATTAATCAGAGCAAGGAACCAAATGATGTTTTC-3'

ClinVar aggregate classification (germline): Uncertain significance (1 of 4 stars; one submission).

Allele frequency attached by ClinVar (database versions not stated): gnomAD 0.00001; TOPMed 0.00001.
gnomAD v4.1: 1 of 1,611,824 alleles (0.000062%); highest among the groups gnomAD compares: African/African-American, 0.0013%; no homozygotes.

Submission:

GeneDx
Classification: Uncertain significance. Last evaluated: 2019-07-05. Review status: criteria provided, single submitter. Criteria: GeneDx Variant Classification Process June 2021. Collection method: clinical testing. Allele origin: germline. Affected: yes.
Comment: Not observed in large population cohorts (Lek et al., 2016); Canonical splice site variant in a gene for which loss-of-function is not a known mechanism of disease; Has not been previously published as pathogenic or benign to our knowledge